The following is an entry in ClinVar:

NM_001127453.2(GSDME):c.1122C>T (p.Pro374=)

Gene: GSDME (gasdermin E; minus strand). Cytogenetic location: 7p15.3.
Variant type: single nucleotide variant.
Coding change: c.1122C>T on transcript NM_001127453.2 (MANE Select); coding-DNA position 1122, C replaced by T.
Protein change: p.Pro374=; no amino-acid change (proline 374 retained).
Molecular consequence: synonymous variant.
Genome position (GRCh38, 1-based): chr7:24,706,245, G>A on the plus strand (C>T on the coding strand, the complement: GSDME is on the minus strand). VCF-style: chr7-24706245-G-A. GRCh37 (hg19) VCF-style: chr7-24745864-G-A.
Other names: c.630C>T, p.Pro210= (NM_001127454.2); c.1122C>T, p.Pro374= (NM_004403.3).
Identifiers: ClinVar variation 178332 (VCV000178332.23), dbSNP rs138980048, ClinGen allele CA182126.

ClinVar aggregate classification (germline): Conflicting classifications of pathogenicity. Review status: criteria provided, conflicting classifications (1 of 4 stars). 5 submissions from 5 submitters: Uncertain significance (1); Benign (1); Likely benign (3). Last evaluated 2025-07-22.

Conditions:
Autosomal dominant nonsyndromic hearing loss 5. Identifiers: Orphanet 90635, MedGen C1832932, MONDO:0010973, OMIM 600994.

Allele frequency attached by ClinVar (database versions not stated): TOPMed 0.00039; gnomAD 0.00041 and 0.00043; ExAC 0.00048; ESP Exome Variant Server 0.00077.
gnomAD v4.1: 1,155 of 1,614,072 alleles (0.072%); highest among the groups gnomAD compares: Non-Finnish European, 0.091%; 2 homozygotes.

Submissions (5):

Labcorp Genetics (formerly Invitae), Labcorp
Classification: Benign. Last evaluated: 2025-07-22. Review status: criteria provided, single submitter. Criteria: Invitae Variant Classification Sherloc (09022015). Collection method: clinical testing. Allele origin: germline.

GeneDx
Classification: Likely benign. Last evaluated: 2019-08-30. Review status: criteria provided, single submitter. Criteria: GeneDx Variant Classification Process June 2021. Collection method: clinical testing. Allele origin: germline. Affected: yes.

Illumina Laboratory Services, Illumina
Classification: Likely benign for Autosomal dominant nonsyndromic hearing loss 5. Last evaluated: 2018-01-13. Review status: criteria provided, single submitter. Criteria: ICSL Variant Classification Criteria 13 December 2019. Collection method: clinical testing. Allele origin: germline.
Comment: This variant was observed in the ICSL laboratory as part of a predisposition screen in an ostensibly healthy population. It had not been previously curated by ICSL or reported in the Human Gene Mutation Database (HGMD: prior to June 1st, 2018), and was therefore a candidate for classification through an automated scoring system. Utilizing variant allele frequency, disease prevalence and penetrance estimates, and inheritance mode, an automated score was calculated to assess if this variant is too frequent to cause the disease. Based on the score and internal cut-off values, a variant classified as likely benign is not then subjected to further curation. The score for this variant resulted in a classification of likely benign for this disease.

Laboratory for Molecular Medicine, Mass General Brigham Personalized Medicine
Classification: Likely benign. Last evaluated: 2015-07-30. Review status: criteria provided, single submitter. Criteria: LMM Criteria. Collection method: clinical testing. Allele origin: germline. Observed: 4 variant alleles.
Comment: p.Pro374Pro in exon 08 of DFNA5: This variant is not expected to have clinical s ignificance because it does not alter an amino acid residue, is not located with in the splice consensus sequence, and has been identified in 53/66666 European c hromosomes by the Exome Aggregation Consortium (ExAC .org; dbSNP rs138980048).

Eurofins Ntd Llc (ga)
Classification: Uncertain significance. Last evaluated: 2015-01-20. Review status: criteria provided, single submitter. Criteria: EGL Classification Definitions 2015. Collection method: clinical testing. Allele origin: germline. Observed: 1 variant allele, 1 heterozygote.